The following is an entry in ClinVar:

NM_004136.4(IREB2):c.2393C>T (p.Thr798Ile)

Gene: IREB2 (iron responsive element binding protein 2; plus strand). Cytogenetic location: 15q25.1.
Variant type: single nucleotide variant.
Coding change: c.2393C>T on transcript NM_004136.4 (MANE Select); coding-DNA position 2393, C replaced by T.
Protein change: p.Thr798Ile; replaces threonine 798 with isoleucine.
Molecular consequence: missense variant.
Genome position (GRCh38, 1-based): chr15:78,493,977, C>T. VCF-style: chr15-78493977-C-T. GRCh37 (hg19) VCF-style: chr15-78786319-C-T.
Other names: c.1643C>T, p.Thr548Ile (NM_001320941.2); c.2222C>T, p.Thr741Ile (NM_001320942.2, NM_001354994.2); short protein forms T548I, T741I, T798I.
Identifiers: ClinVar variation 2043860 (VCV002043860.2), dbSNP rs147288797, ClinGen allele CA7683229.

ClinVar aggregate classification (germline): Uncertain significance (1 of 4 stars; one submission).

Allele frequency attached by ClinVar (database versions not stated): TOPMed 0.00039; gnomAD 0.00042; ESP Exome Variant Server 0.00046; gnomAD exomes 0.00064; ExAC 0.00075.
gnomAD v4.1: 1,008 of 1,614,050 alleles (0.062%); highest among the groups gnomAD compares: Non-Finnish European, 0.08%; no homozygotes.

Submission:

Labcorp Genetics (formerly Invitae), Labcorp
Classification: Uncertain significance. Last evaluated: 2022-02-28. Review status: criteria provided, single submitter. Criteria: Invitae Variant Classification Sherloc (09022015). Collection method: clinical testing. Allele origin: germline.
Comment: This sequence change replaces threonine, which is neutral and polar, with isoleucine, which is neutral and non-polar, at codon 798 of the IREB2 protein (p.Thr798Ile). This variant is present in population databases (rs147288797, gnomAD 0.1%), and has an allele count higher than expected for a pathogenic variant. This variant has not been reported in the literature in individuals affected with IREB2-related conditions. Algorithms developed to predict the effect of missense changes on protein structure and function are either unavailable or do not agree on the potential impact of this missense change (SIFT: "Not Available"; PolyPhen-2: "Probably Damaging"; Align-GVGD: "Not Available"). In summary, the available evidence is currently insufficient to determine the role of this variant in disease. Therefore, it has been classified as a Variant of Uncertain Significance.